The following is an entry in ClinVar:

NC_000023.10:g.(?_37545215)_(37670170_?)del

Genes: XK (X-linked Kx blood group antigen, Kell and VPS13A binding protein; plus strand), CYBB (cytochrome b-245 beta chain; plus strand). Cytogenetic location: Xp21.1-11.4.
Variant type: Deletion.
Identifiers: ClinVar variation 2423022 (VCV002423022.5).

ClinVar aggregate classification (germline): Pathogenic (1 of 4 stars; one submission).

Conditions:
Granulomatous disease, chronic, X-linked. Also called: CYTOCHROME b-NEGATIVE GRANULOMATOUS DISEASE, CHRONIC, X-LINKED; GRANULOMATOUS DISEASE, CHRONIC, X-LINKED, SOMATIC MOSAIC. Identifiers: Orphanet 379, MedGen C1844376, MONDO:0010600, OMIM 306400.

Submission:

Labcorp Genetics (formerly Invitae), Labcorp
Classification: Pathogenic for Granulomatous disease, chronic, X-linked. Last evaluated: 2022-08-13. Review status: criteria provided, single submitter. Criteria: Invitae Variant Classification Sherloc (09022015). Collection method: clinical testing. Allele origin: germline.
Comment: A gross deletion of the genomic region encompassing the full coding sequence of the CYBB gene has been identified. Loss-of-function variants in CYBB are known to be pathogenic (PMID: 9585602, 20729109). The boundaries of this event are unknown as they extend beyond the assayed region for this gene and therefore may encompass additional genes. A similar copy number variant has been observed in individual(s) with chronic granulomatous disease (PMID: 22929960, 27701760). For these reasons, this variant has been classified as Pathogenic.

Literature cited by the submitters: PubMed 9585602; PubMed 20729109; PubMed 22929960; PubMed 27701760.